The following is an entry in ClinVar:

NM_002439.5(MSH3):c.1103T>A (p.Leu368His)

Gene: MSH3 (mutS homolog 3; plus strand). Cytogenetic location: 5q14.1.
Variant type: single nucleotide variant.
Coding change: c.1103T>A on transcript NM_002439.5 (MANE Select); coding-DNA position 1103, T replaced by A.
Protein change: p.Leu368His; replaces leucine 368 with histidine.
Molecular consequence: missense variant.
Genome position (GRCh38, 1-based): chr5:80,675,058, T>A. VCF-style: chr5-80675058-T-A. GRCh37 (hg19) VCF-style: chr5-79970877-T-A.
Other names: short protein forms L368H.
Identifiers: ClinVar variation 4702841 (VCV004702841.1).

ClinVar aggregate classification (germline): Uncertain significance (1 of 4 stars; one submission).

Submission:

Labcorp Genetics (formerly Invitae), Labcorp
Classification: Uncertain significance. Last evaluated: 2025-09-22. Review status: criteria provided, single submitter. Criteria: Invitae Variant Classification Sherloc (09022015). Collection method: clinical testing. Allele origin: germline.
Comment: This sequence change replaces leucine, which is neutral and non-polar, with histidine, which is basic and polar, at codon 368 of the MSH3 protein (p.Leu368His). This variant is not present in population databases (gnomAD no frequency). This variant has not been reported in the literature in individuals affected with MSH3-related conditions. An algorithm developed to predict the effect of missense changes on protein structure and function (PolyPhen-2) suggests that this variant is likely to be disruptive. In summary, the available evidence is currently insufficient to determine the role of this variant in disease. Therefore, it has been classified as a Variant of Uncertain Significance.